The following is an entry in ClinVar:

NM_022114.4(PRDM16):c.2530C>A (p.Pro844Thr)

Gene: PRDM16 (PR/SET domain 16; plus strand). Cytogenetic location: 1p36.32.
Variant type: single nucleotide variant.
Coding change: c.2530C>A on transcript NM_022114.4 (MANE Select); coding-DNA position 2530, C replaced by A.
Protein change: p.Pro844Thr; replaces proline 844 with threonine.
Molecular consequence: missense variant.
Genome position (GRCh38, 1-based): chr1:3,412,727, C>A. VCF-style: chr1-3412727-C-A. GRCh37 (hg19) VCF-style: chr1-3329291-C-A.
Other names: c.2530C>A, p.Pro844Thr (NM_199454.3); c.2530C>A (NM_022114.3); short protein forms P844T.
Identifiers: ClinVar variation 1439780 (VCV001439780.9), dbSNP rs767418172, ClinGen allele CA544499.

ClinVar aggregate classification (germline): Uncertain significance. Review status: criteria provided, multiple submitters, no conflicts (2 of 4 stars). 2 submissions from 2 submitters: Uncertain significance (2). Last evaluated 2025-03-26.

Conditions:
Inborn genetic diseases. Identifiers: MedGen C0950123, MeSH D030342.
Left ventricular noncompaction 8 (LVNC8). Identifiers: Orphanet 154, Orphanet 54260, MedGen C3809288, MONDO:0014152, OMIM 615373.

Allele frequency attached by ClinVar (database versions not stated): gnomAD 0.00001; gnomAD exomes 0.00009; ExAC 0.00057.
gnomAD v4.1: 50 of 1,507,060 alleles (0.0033%); highest among the groups gnomAD compares: South Asian, 0.053%; no homozygotes.

Submissions (2):

Labcorp Genetics (formerly Invitae), Labcorp
Classification: Uncertain significance for Left ventricular noncompaction 8. Last evaluated: 2025-03-26. Review status: criteria provided, single submitter. Criteria: Invitae Variant Classification Sherloc (09022015). Collection method: clinical testing. Allele origin: germline.
Comment: This sequence change replaces proline, which is neutral and non-polar, with threonine, which is neutral and polar, at codon 844 of the PRDM16 protein (p.Pro844Thr). This variant is present in population databases (rs767418172, gnomAD 0.06%). This variant has not been reported in the literature in individuals affected with PRDM16-related conditions. ClinVar contains an entry for this variant (Variation ID: 1439780). An algorithm developed to predict the effect of missense changes on protein structure and function (PolyPhen-2) suggests that this variant is likely to be tolerated. In summary, the available evidence is currently insufficient to determine the role of this variant in disease. Therefore, it has been classified as a Variant of Uncertain Significance.

Ambry Genetics
Classification: Uncertain significance for Inborn genetic diseases. Last evaluated: 2025-01-18. Review status: criteria provided, single submitter. Criteria: Ambry Variant Classification Scheme 2023. Collection method: clinical testing. Allele origin: germline.